The following is an entry in ClinVar:

NM_001127392.3(MYRF):c.407C>T (p.Pro136Leu)

Gene: MYRF (myelin regulatory factor; plus strand). Cytogenetic location: 11q12.2.
Variant type: single nucleotide variant.
Coding change: c.407C>T on transcript NM_001127392.3 (MANE Select); coding-DNA position 407, C replaced by T.
Protein change: p.Pro136Leu; replaces proline 136 with leucine.
Molecular consequence: missense variant.
Genome position (GRCh38, 1-based): chr11:61,769,268, C>T. VCF-style: chr11-61769268-C-T. GRCh37 (hg19) VCF-style: chr11-61536740-C-T.
Other names: c.380C>T, p.Pro127Leu (NM_013279.4); short protein forms P127L, P136L.
Identifiers: ClinVar variation 4082833 (VCV004082833.1).

ClinVar aggregate classification (germline): Uncertain significance (1 of 4 stars; one submission).

gnomAD v4.1: 1 of 1,604,446 alleles (0.000062%); highest among the groups gnomAD compares: Non-Finnish European, 0.000085%; no homozygotes.

Submission:

GeneDx
Classification: Uncertain significance. Last evaluated: 2025-03-05. Review status: criteria provided, single submitter. Criteria: GeneDx Variant Classification Process June 2021. Collection method: clinical testing. Allele origin: germline. Affected: yes.
Comment: Not observed at significant frequency in large population cohorts (gnomAD); In silico analysis supports that this missense variant has a deleterious effect on protein structure/function; Has not been previously published as pathogenic or benign to our knowledge